The following is an entry in ClinVar:

Conditions:
Breast-ovarian cancer, familial, susceptibility to, 1 (BROVCA1). Also called: BRCA1 Hereditary Breast and Ovarian Cancer; OVARIAN CANCER, SUSCEPTIBILITY TO. Identifiers: Orphanet 145, MedGen C2676676, MONDO:0011450, OMIM 604370. Disease mechanism: loss of function.

Submission:

Brotman Baty Institute, University of Washington
No classification provided (evidence only). Condition: Breast-ovarian cancer, familial 1. Review status: no classification provided. Collection method: in vitro. Allele origin: not applicable. Functional consequence: functionally_normal.
ClinVar note: "not provided" was previously submitted as the classification for the variant. However, the classification appeared to be based only on an observation of functional data so it was converted to no classification on 2025-07-30.

NM_007294.4(BRCA1):c.4987-10T>C

Gene: BRCA1 (BRCA1 DNA repair associated; minus strand). Cytogenetic location: 17q21.31.
Variant type: single nucleotide variant.
Coding change: c.4987-10T>C on transcript NM_007294.4 (MANE Select); 10 bases into the intron before coding-DNA position 4987, T replaced by C.
Molecular consequence: intron variant.
Genome position (GRCh38, 1-based): chr17:43,067,705, A>G on the plus strand (T>C on the coding strand, the complement: BRCA1 is on the minus strand). VCF-style: chr17-43067705-A-G. GRCh37 (hg19) VCF-style: chr17-41219722-A-G.
Other names: c.1534-10T>C (NM_001408458.1, NM_001408461.1, NM_001408464.1 and 7 more transcripts); c.4096-10T>C (NM_001407967.1); c.4606-10T>C (NM_001407959.1); c.4720-10T>C (NM_001407931.1, NM_001407932.1, NM_001407928.1 and 4 more transcripts); c.4843-10T>C (NM_001407747.1, NM_001407745.1, NM_001407737.1 and 21 more transcripts); c.4603-10T>C (NM_001407962.1, NM_001407960.1); c.1174-10T>C (NM_001408512.1); c.1297-10T>C (NM_001408510.1); and 71 more.
Identifiers: ClinVar variation 868089 (VCV000868089.3), dbSNP rs1555579828, ClinGen allele CA916080179.
Genomic context (GRCh38, chr17:43,067,705, plus strand): 5'-TAGATTAGTTAAAGTGATGTGGTGTTTTCTGGCAAACTTGTACACGAGCATCTGAAATTA[A>G]ATCAAATATTCCATTATCATGAGTTACCTCTAGCACACAGCTCAGAATACTAGTTATTCC-3'